The following is an entry in ClinVar:

ClinVar aggregate classification (germline): Uncertain significance. Review status: criteria provided, multiple submitters, no conflicts (2 of 4 stars). 2 submissions from 2 submitters: Uncertain significance (2). Last evaluated 2025-08-06.

Conditions:
Myofibrillar myopathy 5. Also called: Filaminopathy (type); FILAMINOPATHY, AUTOSOMAL DOMINANT. Identifiers: Orphanet 171445, MedGen C1836050, MONDO:0012289, OMIM 609524.
Distal myopathy with posterior leg and anterior hand involvement. Also called: WILLIAMS DISTAL MYOPATHY. Identifiers: Orphanet 63273, MedGen C3279722, MONDO:0013550, OMIM 614065.
Hypertrophic cardiomyopathy 26. Also called: Cardiomyopathy, familial hypertrophic, 26. Identifiers: Orphanet 75249, MedGen C4310749, MONDO:0014883, OMIM 617047.

Submissions (2):

Labcorp Genetics (formerly Invitae), Labcorp
Classification: Uncertain significance for Distal myopathy with posterior leg and anterior hand involvement; Myofibrillar myopathy 5; Hypertrophic cardiomyopathy 26. Last evaluated: 2025-08-06. Review status: criteria provided, single submitter. Criteria: Invitae Variant Classification Sherloc (09022015). Collection method: clinical testing. Allele origin: germline.
Comment: This sequence change replaces glycine, which is neutral and non-polar, with aspartic acid, which is acidic and polar, at codon 2711 of the FLNC protein (p.Gly2711Asp). This variant is not present in population databases (gnomAD no frequency). This variant has not been reported in the literature in individuals affected with FLNC-related conditions. ClinVar contains an entry for this variant (Variation ID: 2503298). Invitae Evidence Modeling of protein sequence and biophysical properties (such as structural, functional, and spatial information, amino acid conservation, physicochemical variation, residue mobility, and thermodynamic stability) has been performed for this missense variant. However, the output from this modeling did not meet the statistical confidence thresholds required to predict the impact of this variant on FLNC protein function. In summary, the available evidence is currently insufficient to determine the role of this variant in disease. Therefore, it has been classified as a Variant of Uncertain Significance.

GeneDx
Classification: Uncertain significance. Last evaluated: 2022-11-23. Review status: criteria provided, single submitter. Criteria: GeneDx Variant Classification Process June 2021. Collection method: clinical testing. Allele origin: germline. Affected: yes.
Comment: Not observed at significant frequency in large population cohorts (gnomAD); In silico analysis supports that this missense variant has a deleterious effect on protein structure/function; Has not been previously published as pathogenic or benign to our knowledge

NM_001458.5(FLNC):c.8132G>A (p.Gly2711Asp)

Genes: FLNC-AS1 (FLNC antisense RNA 1; minus strand), FLNC (filamin C; plus strand). Cytogenetic location: 7q32.1.
Variant type: single nucleotide variant.
Coding change: c.8132G>A on transcript NM_001458.5 (MANE Select); coding-DNA position 8132, G replaced by A.
Protein change: p.Gly2711Asp; replaces glycine 2711 with aspartic acid.
Molecular consequence: missense variant.
Genome position (GRCh38, 1-based): chr7:128,858,477, G>A. VCF-style: chr7-128858477-G-A. GRCh37 (hg19) VCF-style: chr7-128498531-G-A.
Other names: c.8033G>A, p.Gly2678Asp (NM_001127487.2); short protein forms G2678D, G2711D.
Identifiers: ClinVar variation 2503298 (VCV002503298.2), dbSNP rs2536673959, ClinGen allele CA369221977.